The following is an entry in ClinVar:

NM_000368.5(TSC1):c.2813G>A (p.Arg938Lys)

Gene: TSC1 (TSC complex subunit 1; minus strand). Cytogenetic location: 9q34.13.
Variant type: single nucleotide variant.
Coding change: c.2813G>A on transcript NM_000368.5 (MANE Select); coding-DNA position 2813, G replaced by A.
Protein change: p.Arg938Lys; replaces arginine 938 with lysine.
Molecular consequence: missense variant.
Genome position (GRCh38, 1-based): chr9:132,897,423, C>T on the plus strand (G>A on the coding strand, the complement: TSC1 is on the minus strand). VCF-style: chr9-132897423-C-T. GRCh37 (hg19) VCF-style: chr9-135772810-C-T.
Other names: c.2810G>A, p.Arg937Lys (NM_001162426.2); c.2660G>A, p.Arg887Lys (NM_001162427.2); c.2450G>A, p.Arg817Lys (NM_001362177.2); short protein forms R938K, R937K, R887K, R817K.
Identifiers: ClinVar variation 534414 (VCV000534414.14), dbSNP rs1249697208, ClinGen allele CA375368983.
Genomic context (GRCh38, chr9:132,897,423, plus strand): 5'-GCCAGAATATAGGAAGTTCCACTTAATAAAAACACAAAAGCCTTTCCTGATGAAAGTTAC[C>T]TTGCCTGGAGTTTGACATCCTCTAGATATTTCTTCTGTTCCAAAAGAAGGTGGTCTTTCT-3'
Protein context (NP_000359.1, residues 928-948): KYLEDVKLQA[Arg938Lys]GQLQAAESRY

ClinVar aggregate classification (germline): Uncertain significance. Review status: criteria provided, multiple submitters, no conflicts (2 of 4 stars). 3 submissions from 3 submitters: Uncertain significance (3). Last evaluated 2025-06-09.

Conditions:
Hereditary cancer-predisposing syndrome. Also called: Neoplastic Syndromes, Hereditary; Hereditary neoplastic syndrome; Tumor predisposition; Hereditary Cancer Syndrome. Identifiers: Orphanet 140162, MedGen C0027672, MeSH D009386, MONDO:0015356.
Tuberous sclerosis syndrome (TSC). Also called: Tuberous Sclerosis Complex; Tuberous sclerosis. Identifiers: Orphanet 805, MedGen C0041341, MONDO:0001734.
Tuberous sclerosis 1 (TSC1). Identifiers: Orphanet 805, MedGen C1854465, MONDO:0008612, OMIM 191100.

Allele frequency attached by ClinVar (database versions not stated): gnomAD exomes below 0.00001.

Submissions (3):

Labcorp Genetics (formerly Invitae), Labcorp
Classification: Uncertain significance for Tuberous sclerosis 1. Last evaluated: 2025-06-09. Review status: criteria provided, single submitter. Criteria: Invitae Variant Classification Sherloc (09022015). Collection method: clinical testing. Allele origin: germline.
Comment: This sequence change replaces arginine, which is basic and polar, with lysine, which is basic and polar, at codon 938 of the TSC1 protein (p.Arg938Lys). This variant also falls at the last nucleotide of exon 21, which is part of the consensus splice site for this exon. This variant is present in population databases (no rsID available, gnomAD 0.0009%). This variant has not been reported in the literature in individuals affected with TSC1-related conditions. ClinVar contains an entry for this variant (Variation ID: 534414). Invitae Evidence Modeling of protein sequence and biophysical properties (such as structural, functional, and spatial information, amino acid conservation, physicochemical variation, residue mobility, and thermodynamic stability) indicates that this missense variant is not expected to disrupt TSC1 protein function with a negative predictive value of 95%. Variants that disrupt the consensus splice site are a relatively common cause of aberrant splicing (PMID: 17576681, 9536098). Algorithms developed to predict the effect of sequence changes on RNA splicing suggest that this variant may disrupt the consensus splice site. In summary, the available evidence is currently insufficient to determine the role of this variant in disease. Therefore, it has been classified as a Variant of Uncertain Significance.

All of Us Research Program, National Institutes of Health
Classification: Uncertain significance for Tuberous sclerosis syndrome. Last evaluated: 2023-08-15. Review status: criteria provided, single submitter. Criteria: ACMG Guidelines, 2015. Collection method: clinical testing. Allele origin: germline. Inheritance: Autosomal dominant inheritance. Observed: 1 variant allele, 1 heterozygote.
Comment: This missense variant replaces arginine with lysine at codon 938 of the TSC1 protein. Computational prediction suggests that this variant may not impact protein structure and function (internally defined REVEL score threshold <= 0.5, PMID: 27666373). However, this variant causes a G>A nucleotide substitution at the last nucleotide of exon 21 of the TSC1 gene, and splice site prediction tools suggest that this variant may impact RNA splicing. To our knowledge, functional studies have not been reported for this variant. This variant has not been reported in individuals affected with TSC1-related disorders in the literature. This variant has been identified in 1/251462 chromosomes in the general population by the Genome Aggregation Database (gnomAD). The available evidence is insufficient to determine the role of this variant in disease conclusively. Therefore, this variant is classified as a Variant of Uncertain Significance.

This study involves interpretation of variants in research participants for the purpose of population health screening. Participant phenotype was not available at the time of variant classification. Additional details can be found in publication PMID: 35346344, PMCID: PMC8962531

Ambry Genetics
Classification: Uncertain significance for Hereditary cancer-predisposing syndrome. Last evaluated: 2022-01-07. Review status: criteria provided, single submitter. Criteria: Ambry Variant Classification Scheme 2023. Collection method: clinical testing. Allele origin: germline.
Comment: The p.R938K variant (also known as c.2813G>A), located in coding exon 19 of the TSC1 gene, results from a G to A substitution at nucleotide position 2813. The amino acid change results in arginine to lysine at codon 938, an amino acid with highly similar properties. However, this change occurs in the last base pair of coding exon 19, which makes it likely to have some effect on normal mRNA splicing. This nucleotide position is well conserved in available vertebrate species. This amino acid position is not well conserved in available vertebrate species. In silico splice site analysis predicts that this alteration will weaken the native splice donor site. In addition, as a missense substitution this is predicted to be tolerated by in silico analysis. Since supporting evidence is limited at this time, the clinical significance of this alteration remains unclear.

Literature cited by the submitters: PubMed 17576681 (cited by Labcorp Genetics (formerly Invitae), Labcorp); PubMed 9536098 (cited by Labcorp Genetics (formerly Invitae), Labcorp).